The following is an entry in ClinVar:

NM_000535.7(PMS2):c.2275+5G>A

Gene: PMS2 (PMS1 homolog 2, mismatch repair system component; minus strand). Cytogenetic location: 7p22.1.
Variant type: single nucleotide variant.
Coding change: c.2275+5G>A on transcript NM_000535.7 (MANE Select); 5 bases into the intron after coding-DNA position 2275, G replaced by A.
Molecular consequence: intron variant.
Genome position (GRCh38, 1-based): chr7:5,978,591, C>T on the plus strand (G>A on the coding strand, the complement: PMS2 is on the minus strand). VCF-style: chr7-5978591-C-T. GRCh37 (hg19) VCF-style: chr7-6018222-C-T.
Other names: c.1957+5G>A (NM_001322008.2, NM_001322007.2); c.1714+5G>A (NM_001322010.2); c.1870+5G>A (NM_001322004.2, NM_001322003.2, NM_001322009.2 and 1 more transcripts); c.1702+5G>A (NM_001322013.2); c.1342+5G>A (NM_001322012.2, NM_001322011.2); c.1966+5G>A (NM_001322015.2); c.2119+5G>A (NM_001322006.2); c.2275+5G>A (NM_001322014.2).
Identifiers: ClinVar variation 947065 (VCV000947065.6), dbSNP rs1583285249, ClinGen allele CA1097984761.
Genomic context (GRCh38, chr7:5,978,591, plus strand): 5'-AGAGTGCTGGGATTACAGACGTGAGCCACCACACCCAGCCGCTATAGTTCTAATTAATAA[C>T]TTACCATTTTCATCGATAACAAAATCAAAGCCATTCTTTCTAAATATTTCCAGATTTTCT-3'

ClinVar aggregate classification (germline): Uncertain significance. Review status: criteria provided, multiple submitters, no conflicts (2 of 4 stars). 2 submissions from 2 submitters: Uncertain significance (2). Last evaluated 2023-07-26.

Conditions:
Hereditary nonpolyposis colorectal neoplasms. Identifiers: MedGen C0009405, MeSH D003123.
Hereditary cancer-predisposing syndrome. Also called: Hereditary neoplastic syndrome; Neoplastic Syndromes, Hereditary; Tumor predisposition; Hereditary Cancer Syndrome. Identifiers: Orphanet 140162, MedGen C0027672, MeSH D009386, MONDO:0015356.

Allele frequency attached by ClinVar (database versions not stated): gnomAD 0.00001.

Submissions (2):

Ambry Genetics
Classification: Uncertain significance for Hereditary cancer-predisposing syndrome. Last evaluated: 2023-07-26. Review status: criteria provided, single submitter. Criteria: Ambry Variant Classification Scheme 2023. Collection method: clinical testing. Allele origin: germline.
Comment: The c.2275+5G>A intronic variant results from a G to A substitution 5 nucleotides after coding exon 13 in the PMS2 gene. This nucleotide position is highly conserved in available vertebrate species. In silico splice site analysis for this alteration is inconclusive. Since supporting evidence is limited at this time, the clinical significance of this alteration remains unclear.

Labcorp Genetics (formerly Invitae), Labcorp
Classification: Uncertain significance for Hereditary nonpolyposis colorectal neoplasms. Last evaluated: 2019-07-17. Review status: criteria provided, single submitter. Criteria: Invitae Variant Classification Sherloc (09022015). Collection method: clinical testing. Allele origin: germline.
Comment: In summary, the available evidence is currently insufficient to determine the role of this variant in disease. Therefore, it has been classified as a Variant of Uncertain Significance. Nucleotide substitutions within the consensus splice site are a relatively common cause of aberrant splicing (PMID: 17576681, 9536098). Algorithms developed to predict the effect of sequence changes on RNA splicing suggest that this variant may disrupt the consensus splice site, but this prediction has not been confirmed by published transcriptional studies. This variant has not been reported in the literature in individuals with PMS2-related conditions. The frequency data for this variant in the population databases (ExAC) is considered unreliable due to the presence of homologous sequence, such as pseudogenes or paralogs, in the genome. This sequence change falls in intron 13 of the PMS2 gene. It does not directly change the encoded amino acid sequence of the PMS2 protein, but it affects a nucleotide within the consensus splice site of the intron.

Literature cited by the submitters: PubMed 17576681 (cited by Labcorp Genetics (formerly Invitae), Labcorp); PubMed 9536098 (cited by Labcorp Genetics (formerly Invitae), Labcorp).